The following is an entry in ClinVar:

NM_012418.4(FSCN2):c.1102G>C (p.Val368Leu)

Gene: FSCN2 (fascin actin-bundling protein 2, retinal; plus strand). Cytogenetic location: 17q25.3.
Variant type: single nucleotide variant.
Coding change: c.1102G>C on transcript NM_012418.4 (MANE Select); coding-DNA position 1102, G replaced by C.
Protein change: p.Val368Leu; replaces valine 368 with leucine.
Molecular consequence: missense variant.
Genome position (GRCh38, 1-based): chr17:81,536,264, G>C. VCF-style: chr17-81536264-G-C. GRCh37 (hg19) VCF-style: chr17-79503290-G-C.
Other names: c.1102G>C, p.Val368Leu (NM_001077182.3); short protein forms V368L.
Identifiers: ClinVar variation 4721911 (VCV004721911.1).

ClinVar aggregate classification (germline): Uncertain significance (1 of 4 stars; one submission).

Submission:

Labcorp Genetics (formerly Invitae), Labcorp
Classification: Uncertain significance. Last evaluated: 2025-08-02. Review status: criteria provided, single submitter. Criteria: Invitae Variant Classification Sherloc (09022015). Collection method: clinical testing. Allele origin: germline.
Comment: This sequence change replaces valine, which is neutral and non-polar, with leucine, which is neutral and non-polar, at codon 368 of the FSCN2 protein (p.Val368Leu). This variant is not present in population databases (gnomAD no frequency). This variant has not been reported in the literature in individuals affected with FSCN2-related conditions. An algorithm developed to predict the effect of missense changes on protein structure and function (PolyPhen-2) suggests that this variant is likely to be tolerated. In summary, the available evidence is currently insufficient to determine the role of this variant in disease. Therefore, it has been classified as a Variant of Uncertain Significance.